The following is an entry in ClinVar:

ClinVar aggregate classification (germline): Uncertain significance (1 of 4 stars; one submission).

Conditions:
Familial cancer of breast. Also called: Hereditary breast cancer; hereditary breast carcinoma; BREAST CANCER, FAMILIAL. Identifiers: Orphanet 227535, MedGen C0346153, MONDO:0016419, OMIM 114480. Disease mechanism: loss of function.

Submission:

Labcorp Genetics (formerly Invitae), Labcorp
Classification: Uncertain significance for Familial cancer of breast. Last evaluated: 2020-02-08. Review status: criteria provided, single submitter. Criteria: Invitae Variant Classification Sherloc (09022015). Collection method: clinical testing. Allele origin: germline.
Comment: This variant is not present in population databases (ExAC no frequency). This sequence change replaces threonine with isoleucine at codon 99 of the PALB2 protein (p.Thr99Ile). The threonine residue is weakly conserved and there is a moderate physicochemical difference between threonine and isoleucine. This variant has not been reported in the literature in individuals with PALB2-related conditions. In summary, the available evidence is currently insufficient to determine the role of this variant in disease. Therefore, it has been classified as a Variant of Uncertain Significance. Algorithms developed to predict the effect of missense changes on protein structure and function output the following: SIFT: "Tolerated"; PolyPhen-2: "Benign"; Align-GVGD: "Class C0". The isoleucine amino acid residue is found in multiple mammalian species, suggesting that this missense change does not adversely affect protein function. These predictions have not been confirmed by published functional studies and their clinical significance is uncertain.

NM_024675.4(PALB2):c.296C>T (p.Thr99Ile)

Gene: PALB2 (partner and localizer of BRCA2; minus strand). Cytogenetic location: 16p12.2.
Variant type: single nucleotide variant.
Coding change: c.296C>T on transcript NM_024675.4 (MANE Select); coding-DNA position 296, C replaced by T.
Protein change: p.Thr99Ile; replaces threonine 99 with isoleucine.
Molecular consequence: missense variant.
Genome position (GRCh38, 1-based): chr16:23,636,250, G>A on the plus strand (C>T on the coding strand, the complement: PALB2 is on the minus strand). VCF-style: chr16-23636250-G-A. GRCh37 (hg19) VCF-style: chr16-23647571-G-A.
Other names: short protein forms T99I.
Identifiers: ClinVar variation 1006218 (VCV001006218.10), dbSNP rs1967056981, ClinGen allele CA395138809.
Genomic context (GRCh38, chr16:23,636,250, plus strand): 5'-TGTATAGGTAATCCTCCTGGGCCATCTCCAGGGTTAAAGGACTCAGGCCCAACATCAAGT[G>A]TGATAGATGTCTTTTCTCCAGTTTCTTCATCAAGATGGGTTTTGATGTGTAACTTGTCAT-3'
Protein context (NP_078951.2, residues 89-109): DEETGEKTSI[Thr99Ile]LDVGPESFNP